The following is an entry in ClinVar:

NM_205836.3(FBXO38):c.1327G>C (p.Asp443His)

Gene: FBXO38 (F-box protein 38; plus strand). Cytogenetic location: 5q32.
Variant type: single nucleotide variant.
Coding change: c.1327G>C on transcript NM_205836.3 (MANE Select); coding-DNA position 1327, G replaced by C.
Protein change: p.Asp443His; replaces aspartic acid 443 with histidine.
Molecular consequence: missense variant.
Genome position (GRCh38, 1-based): chr5:148,415,990, G>C. VCF-style: chr5-148415990-G-C. GRCh37 (hg19) VCF-style: chr5-147795553-G-C.
Other names: c.1327G>C, p.Asp443His (NM_001271723.2, NM_030793.5); short protein forms D443H.
Identifiers: ClinVar variation 1466006 (VCV001466006.8), dbSNP rs1318477469, ClinGen allele CA361659128.

ClinVar aggregate classification (germline): Uncertain significance (1 of 4 stars; one submission).

Conditions:
Distal hereditary motor neuropathy type 2. Identifiers: Orphanet 139525, MedGen C3711384, MeSH C580044, MONDO:0015352.

Allele frequency attached by ClinVar (database versions not stated): TOPMed below 0.00001; gnomAD 0.00001; gnomAD exomes 0.00001.
gnomAD v4.1: 20 of 1,613,282 alleles (0.0012%); highest among the groups gnomAD compares: Admixed American, 0.0017%; no homozygotes.

Submission:

Labcorp Genetics (formerly Invitae), Labcorp
Classification: Uncertain significance for Distal hereditary motor neuropathy type 2. Last evaluated: 2023-06-30. Review status: criteria provided, single submitter. Criteria: Invitae Variant Classification Sherloc (09022015). Collection method: clinical testing. Allele origin: germline.
Comment: Advanced modeling of protein sequence and biophysical properties (such as structural, functional, and spatial information, amino acid conservation, physicochemical variation, residue mobility, and thermodynamic stability) performed at Invitae indicates that this missense variant is not expected to disrupt FBXO38 protein function. In summary, the available evidence is currently insufficient to determine the role of this variant in disease. Therefore, it has been classified as a Variant of Uncertain Significance. ClinVar contains an entry for this variant (Variation ID: 1466006). This sequence change replaces aspartic acid, which is acidic and polar, with histidine, which is basic and polar, at codon 443 of the FBXO38 protein (p.Asp443His). This variant is not present in population databases (gnomAD no frequency). This variant has not been reported in the literature in individuals affected with FBXO38-related conditions.